The following is an entry in ClinVar:

NM_001197104.2(KMT2A):c.6317C>G (p.Thr2106Arg)

Gene: KMT2A (lysine methyltransferase 2A; plus strand). Cytogenetic location: 11q23.3.
Variant type: single nucleotide variant.
Coding change: c.6317C>G on transcript NM_001197104.2 (MANE Select); coding-DNA position 6317, C replaced by G.
Protein change: p.Thr2106Arg; replaces threonine 2106 with arginine.
Molecular consequence: missense variant.
Genome position (GRCh38, 1-based): chr11:118,501,145, C>G. VCF-style: chr11-118501145-C-G. GRCh37 (hg19) VCF-style: chr11-118371860-C-G.
Other names: c.6407C>G, p.Thr2136Arg (NM_001412597.1); c.6308C>G, p.Thr2103Arg (NM_005933.4); short protein forms T2103R, T2136R, T2106R.
Identifiers: ClinVar variation 2827751 (VCV002827751.3), dbSNP rs2496980166, ClinGen allele CA382801363.

ClinVar aggregate classification (germline): Uncertain significance (1 of 4 stars; one submission).

Submission:

Labcorp Genetics (formerly Invitae), Labcorp
Classification: Uncertain significance. Last evaluated: 2023-01-11. Review status: criteria provided, single submitter. Criteria: Invitae Variant Classification Sherloc (09022015). Collection method: clinical testing. Allele origin: germline.
Comment: In summary, the available evidence is currently insufficient to determine the role of this variant in disease. Therefore, it has been classified as a Variant of Uncertain Significance. This variant is not present in population databases (gnomAD no frequency). This variant has not been reported in the literature in individuals affected with KMT2A-related conditions. Algorithms developed to predict the effect of missense changes on protein structure and function (SIFT, PolyPhen-2, Align-GVGD) all suggest that this variant is likely to be tolerated. This sequence change replaces threonine, which is neutral and polar, with arginine, which is basic and polar, at codon 2106 of the KMT2A protein (p.Thr2106Arg).